The following is an entry in ClinVar:

NM_000038.6(APC):c.5382C>A (p.Asp1794Glu)

Gene: APC (APC regulator of Wnt signaling pathway; plus strand). Cytogenetic location: 5q22.2.
Variant type: single nucleotide variant.
Coding change: c.5382C>A on transcript NM_000038.6 (MANE Select); coding-DNA position 5382, C replaced by A.
Protein change: p.Asp1794Glu; replaces aspartic acid 1794 with glutamic acid.
Molecular consequence: missense variant.
Genome position (GRCh38, 1-based): chr5:112,840,976, C>A. VCF-style: chr5-112840976-C-A. GRCh37 (hg19) VCF-style: chr5-112176673-C-A.
Other names: c.5382C>A, p.Asp1794Glu (NM_001127510.3, NM_001354895.2); c.5328C>A, p.Asp1776Glu (NM_001127511.3); c.5436C>A, p.Asp1812Glu (NM_001354896.2); c.5412C>A, p.Asp1804Glu (NM_001354897.2); c.5307C>A, p.Asp1769Glu (NM_001354898.2); c.5298C>A, p.Asp1766Glu (NM_001354899.2); c.5259C>A, p.Asp1753Glu (NM_001354900.2); c.5205C>A, p.Asp1735Glu (NM_001354901.2); and 5 more; short protein forms D1776E, D1794E, D1634E, D1703E, D1804E, D1812E, D1668E, D1693E.
Identifiers: ClinVar variation 411543 (VCV000411543.10), dbSNP rs566370229, ClinGen allele CA16033092.

ClinVar aggregate classification (germline): Uncertain significance (1 of 4 stars; one submission).

Conditions:
Familial adenomatous polyposis 1 (FAP1). Also called: FAMILIAL ADENOMATOUS POLYPOSIS 1, ATTENUATED; POLYPOSIS, ADENOMATOUS INTESTINAL. Identifiers: MedGen C2713442, MONDO:0021056, OMIM 175100. Disease mechanism: loss of function.

Submission:

Labcorp Genetics (formerly Invitae), Labcorp
Classification: Uncertain significance for Familial adenomatous polyposis 1. Last evaluated: 2023-11-24. Review status: criteria provided, single submitter. Criteria: Invitae Variant Classification Sherloc (09022015). Collection method: clinical testing. Allele origin: germline.
Comment: This sequence change replaces aspartic acid, which is acidic and polar, with glutamic acid, which is acidic and polar, at codon 1794 of the APC protein (p.Asp1794Glu). This variant is not present in population databases (gnomAD no frequency). This variant has not been reported in the literature in individuals affected with APC-related conditions. ClinVar contains an entry for this variant (Variation ID: 411543). Advanced modeling of protein sequence and biophysical properties (such as structural, functional, and spatial information, amino acid conservation, physicochemical variation, residue mobility, and thermodynamic stability) performed at Invitae indicates that this missense variant is not expected to disrupt APC protein function with a negative predictive value of 95%. In summary, the available evidence is currently insufficient to determine the role of this variant in disease. Therefore, it has been classified as a Variant of Uncertain Significance.